The following is an entry in ClinVar:

NM_024753.5(TTC21B):c.1551C>T (p.His517=)

Gene: TTC21B (tetratricopeptide repeat domain 21B; minus strand). Cytogenetic location: 2q24.3.
Variant type: single nucleotide variant.
Coding change: c.1551C>T on transcript NM_024753.5 (MANE Select); coding-DNA position 1551, C replaced by T.
Protein change: p.His517=; no amino-acid change (histidine 517 retained).
Molecular consequence: synonymous variant.
Genome position (GRCh38, 1-based): chr2:165,919,399, G>A on the plus strand (C>T on the coding strand, the complement: TTC21B is on the minus strand). VCF-style: chr2-165919399-G-A. GRCh37 (hg19) VCF-style: chr2-166775909-G-A.
Identifiers: ClinVar variation 772303 (VCV000772303.4), dbSNP rs753874300, ClinGen allele CA1942084.

ClinVar aggregate classification (germline): Likely benign. Review status: criteria provided, multiple submitters, no conflicts (2 of 4 stars). 2 submissions from 2 submitters: Likely benign (2). Last evaluated 2025-08-13.

Conditions:
TTC21B-related disorder. Also called: TTC21B-related condition; TTC21B-related disorders.

Allele frequency attached by ClinVar (database versions not stated): TOPMed below 0.00001; ExAC 0.00001; gnomAD exomes 0.00001 and 0.00002.
gnomAD v4.1: 6 of 1,614,090 alleles (0.00037%); highest among the groups gnomAD compares: Admixed American, 0.0083%; no homozygotes.

Submissions (2):

PreventionGenetics, part of Exact Sciences
Classification: Likely benign for TTC21B-related condition. Last evaluated: 2025-08-13. Review status: criteria provided, single submitter. Criteria: ACMG Guidelines, 2015. Collection method: clinical testing. Allele origin: germline.
Comment: This variant is classified as likely benign based on ACMG/AMP sequence variant interpretation guidelines (Richards et al. 2015 PMID: 25741868, with internal and published modifications).

Labcorp Genetics (formerly Invitae), Labcorp
Classification: Likely benign. Last evaluated: 2017-10-04. Review status: criteria provided, single submitter. Criteria: Invitae Variant Classification Sherloc (09022015). Collection method: clinical testing. Allele origin: germline.